The following is an entry in ClinVar:

NM_130837.3(OPA1):c.1551del (p.Ile518fs)

Gene: OPA1 (OPA1 mitochondrial dynamin like GTPase; plus strand). Cytogenetic location: 3q29.
Variant type: Deletion.
Coding change: c.1551del on transcript NM_130837.3 (MANE Select); coding-DNA position 1551, one base deleted (C; older notation c.1551delC).
Protein change: p.Ile518fs; shifts the reading frame from isoleucine 518.
Molecular consequence: frameshift variant.
Genome position (GRCh38, 1-based): chr3:193,644,048, C deleted; the last of 2 consecutive C bases (chr3:193,644,047-193,644,048); deleting either gives the same sequence. VCF-style (leftmost placement, unchanged base first): chr3-193644046-AC-A. GRCh37 (hg19) VCF-style: chr3-193361835-AC-A.
Other names: c.1497del, p.Ile500fs (NM_130836.3); c.1017del, p.Ile340fs (NM_001354663.2); c.1014del, p.Ile339fs (NM_001354664.2); c.1386del, p.Ile463fs (NM_015560.3); c.1278del, p.Ile427fs (NM_130831.3); c.1332del, p.Ile445fs (NM_130832.3); c.1389del, p.Ile464fs (NM_130833.3); c.1440del, p.Ile481fs (NM_130834.3); and 1 more; short protein forms I427fs, I481fs, I482fs, I500fs, I518fs, I340fs, I463fs, I464fs.
Identifiers: ClinVar variation 2808987 (VCV002808987.3), dbSNP rs2474881142, ClinGen allele CA2739265861.
Genomic context (GRCh38, chr3:193,644,046, plus strand): 5'-GATGCTGAACGCAGTATTGTTACAGACTTGGTCAGTCAAATGGACCCTCATGGAAGGAGA[AC>A]CATATTCGTTTTGACCAAAGTAGACCTGGCAGAGAAAAATGTAGCCAGTCCAAGCAGGGT-3'

ClinVar aggregate classification (germline): Pathogenic (1 of 4 stars; one submission).

Submission:

Labcorp Genetics (formerly Invitae), Labcorp
Classification: Pathogenic. Last evaluated: 2022-10-19. Review status: criteria provided, single submitter. Criteria: Invitae Variant Classification Sherloc (09022015). Collection method: clinical testing. Allele origin: germline.
Comment: For these reasons, this variant has been classified as Pathogenic. This variant has not been reported in the literature in individuals affected with OPA1-related conditions. This variant is not present in population databases (gnomAD no frequency). This sequence change creates a premature translational stop signal (p.Ile463Tyrfs*4) in the OPA1 gene. It is expected to result in an absent or disrupted protein product. Loss-of-function variants in OPA1 are known to be pathogenic (PMID: 11440988, 20157015, 20952381, 25012220).

Literature cited by the submitters: PubMed 11440988; PubMed 20157015; PubMed 20952381; PubMed 25012220.